The following is an entry in ClinVar:

ClinVar aggregate classification (germline): Uncertain significance (1 of 4 stars; one submission).

Allele frequency attached by ClinVar (database versions not stated): gnomAD 0.00001; gnomAD exomes 0.00001; TOPMed 0.00002.
gnomAD v4.1: 4 of 1,612,786 alleles (0.00025%); highest among the groups gnomAD compares: Non-Finnish European, 0.00034%; no homozygotes.

Submission:

Labcorp Genetics (formerly Invitae), Labcorp
Classification: Uncertain significance. Last evaluated: 2026-01-04. Review status: criteria provided, single submitter. Criteria: Invitae Variant Classification Sherloc (09022015). Collection method: clinical testing. Allele origin: germline.
Comment: This sequence change replaces leucine, which is neutral and non-polar, with phenylalanine, which is neutral and non-polar, at codon 566 of the COL11A2 protein (p.Leu566Phe). This variant is present in population databases (no rsID available, gnomAD 0.002%). This variant has not been reported in the literature in individuals affected with COL11A2-related conditions. ClinVar contains an entry for this variant (Variation ID: 1354558). Invitae Evidence Modeling of protein sequence and biophysical properties (such as structural, functional, and spatial information, amino acid conservation, physicochemical variation, residue mobility, and thermodynamic stability) indicates that this missense variant is not expected to disrupt COL11A2 protein function with a negative predictive value of 95%. In summary, the available evidence is currently insufficient to determine the role of this variant in disease. Therefore, it has been classified as a Variant of Uncertain Significance.

NM_080680.3(COL11A2):c.1696C>T (p.Leu566Phe)

Gene: COL11A2 (collagen type XI alpha 2 chain; minus strand). Cytogenetic location: 6p21.32.
Variant type: single nucleotide variant.
Coding change: c.1696C>T on transcript NM_080680.3 (MANE Select); coding-DNA position 1696, C replaced by T.
Protein change: p.Leu566Phe; replaces leucine 566 with phenylalanine.
Molecular consequence: missense variant.
Genome position (GRCh38, 1-based): chr6:33,178,702, G>A on the plus strand (C>T on the coding strand, the complement: COL11A2 is on the minus strand). VCF-style: chr6-33178702-G-A. GRCh37 (hg19) VCF-style: chr6-33146479-G-A.
Other names: c.1375C>T, p.Leu459Phe (NM_080679.3); c.1438C>T, p.Leu480Phe (NM_080681.3); short protein forms L480F, L566F, L459F.
Identifiers: ClinVar variation 1354558 (VCV001354558.6), dbSNP rs953245426, ClinGen allele CA137073907.